The following is an entry in ClinVar:

ClinVar aggregate classification (germline): Uncertain significance. Review status: criteria provided, multiple submitters, no conflicts (2 of 4 stars). 2 submissions from 2 submitters: Uncertain significance (2). Last evaluated 2023-05-05.

Conditions:
Hereditary cancer-predisposing syndrome. Also called: Neoplastic Syndromes, Hereditary; Tumor predisposition; Hereditary Cancer Syndrome; Hereditary neoplastic syndrome. Identifiers: Orphanet 140162, MedGen C0027672, MeSH D009386, MONDO:0015356.

Submissions (2):

Labcorp Genetics (formerly Invitae), Labcorp
Classification: Uncertain significance. Last evaluated: 2023-05-05. Review status: criteria provided, single submitter. Criteria: Invitae Variant Classification Sherloc (09022015). Collection method: clinical testing. Allele origin: germline.
Comment: In summary, the available evidence is currently insufficient to determine the role of this variant in disease. Therefore, it has been classified as a Variant of Uncertain Significance. Advanced modeling of protein sequence and biophysical properties (such as structural, functional, and spatial information, amino acid conservation, physicochemical variation, residue mobility, and thermodynamic stability) performed at Invitae indicates that this missense variant is expected to disrupt POLE protein function. ClinVar contains an entry for this variant (Variation ID: 1777342). This variant has not been reported in the literature in individuals affected with POLE-related conditions. This variant is not present in population databases (gnomAD no frequency). This sequence change replaces phenylalanine, which is neutral and non-polar, with serine, which is neutral and polar, at codon 552 of the POLE protein (p.Phe552Ser).

Ambry Genetics
Classification: Uncertain significance for Hereditary cancer-predisposing syndrome. Last evaluated: 2022-05-21. Review status: criteria provided, single submitter. Criteria: Ambry Variant Classification Scheme 2023. Collection method: clinical testing. Allele origin: germline.
Comment: The p.F552S variant (also known as c.1655T>C), located in coding exon 15 of the POLE gene, results from a T to C substitution at nucleotide position 1655. The phenylalanine at codon 552 is replaced by serine, an amino acid with highly dissimilar properties. This amino acid position is conserved. In addition, this alteration is predicted to be deleterious by in silico analysis. Since supporting evidence is limited at this time, the clinical significance of this alteration remains unclear.

NM_006231.4(POLE):c.1655T>C (p.Phe552Ser)

Gene: POLE (DNA polymerase epsilon, catalytic subunit; minus strand). Cytogenetic location: 12q24.33.
Variant type: single nucleotide variant.
Coding change: c.1655T>C on transcript NM_006231.4 (MANE Select); coding-DNA position 1655, T replaced by C.
Protein change: p.Phe552Ser; replaces phenylalanine 552 with serine.
Molecular consequence: missense variant.
Genome position (GRCh38, 1-based): chr12:132,672,658, A>G on the plus strand (T>C on the coding strand, the complement: POLE is on the minus strand). VCF-style: chr12-132672658-A-G. GRCh37 (hg19) VCF-style: chr12-133249244-A-G.
Other names: short protein forms F552S.
Identifiers: ClinVar variation 1777342 (VCV001777342.3), dbSNP rs2042956350, ClinGen allele CA387356559.
Genomic context (GRCh38, chr12:132,672,658, plus strand): 5'-AGAATCTGAATCCCAGGGAAGAAGCACACCATCCTAAACCGGCAAGGGATATCGCTGCGG[A>G]AAACCCCAGACTCGAGGGCCTCCACGTGGCCCCCGACGTAGGTCTCAGAGTCCAGCACGT-3'
Protein context (NP_006222.2, residues 542-562): GHVEALESGV[Phe552Ser]RSDIPCRFRM